The following is an entry in ClinVar:

ClinVar aggregate classification (germline): Pathogenic (1 of 4 stars; one submission).

Submission:

Labcorp Genetics (formerly Invitae), Labcorp
Classification: Pathogenic. Last evaluated: 2023-10-15. Review status: criteria provided, single submitter. Criteria: Invitae Variant Classification Sherloc (09022015). Collection method: clinical testing. Allele origin: germline.
Comment: This sequence change creates a premature translational stop signal (p.Gly8Alafs*18) in the SLC4A11 gene. It is expected to result in an absent or disrupted protein product. Loss-of-function variants in SLC4A11 are known to be pathogenic (PMID: 17220209, 17679935). This variant is not present in population databases (gnomAD no frequency). This variant has not been reported in the literature in individuals affected with SLC4A11-related conditions. For these reasons, this variant has been classified as Pathogenic.

Literature cited by the submitters: PubMed 17220209; PubMed 17679935.

NM_001174089.2(SLC4A11):c.44-73_44-70dup

Gene: SLC4A11 (solute carrier family 4 member 11; minus strand). Cytogenetic location: 20p13.
Variant type: Duplication.
Coding change: c.44-73_44-70dup on transcript NM_001174089.2 (MANE Select); 73 bases into the intron before coding-DNA position 44 through 70 bases into the intron before coding-DNA position 44, 4 bases duplicated (CGGG; older notation c.44-73_44-70dupCGGG).
Molecular consequence: intron variant. On other transcripts: frameshift variant (1), non-coding transcript variant (2).
Genome position (GRCh38, 1-based): chr20:3,237,658-3,237,661, CCCG duplicated on the plus strand (CGGG on the coding strand, the reverse complement: SLC4A11 is on the minus strand); duplicating any 4 consecutive bases within chr20:3,237,658-3,237,664 gives the same sequence; the c. name uses the placement nearest the transcript's 3' end. VCF-style (leftmost placement, unchanged base first): chr20-3237657-C-CCCCG. GRCh37 (hg19) VCF-style: chr20-3218303-C-CCCCG.
Other names: c.19_22dup, p.Gly8fs (NM_032034.4); c.-14-73_-14-70dup (NM_001400277.1, NM_001400278.1, NM_001400279.1); c.44-73_44-70dup (NM_001363745.2); c.173-73_173-70dup (NM_001400280.1, NM_001174090.2); short protein forms G8fs.
Identifiers: ClinVar variation 2768669 (VCV002768669.3), dbSNP rs2514634940, ClinGen allele CA2697547287.